The following is an entry in ClinVar:

ClinVar aggregate classification (germline): Uncertain significance. Review status: criteria provided, multiple submitters, no conflicts (2 of 4 stars). 2 submissions from 2 submitters: Uncertain significance (2). Last evaluated 2025-09-30.

Conditions:
Fanconi anemia (FA). Also called: Fanconi's anemia. Identifiers: Orphanet 84, MedGen C0015625, MeSH D005199, MONDO:0019391.
Inborn genetic diseases. Identifiers: MedGen C0950123, MeSH D030342.

Allele frequency attached by ClinVar (database versions not stated): gnomAD exomes below 0.00001.

Submissions (2):

Labcorp Genetics (formerly Invitae), Labcorp
Classification: Uncertain significance for Fanconi anemia. Last evaluated: 2025-09-30. Review status: criteria provided, single submitter. Criteria: Invitae Variant Classification Sherloc (09022015). Collection method: clinical testing. Allele origin: germline.
Comment: This sequence change replaces isoleucine, which is neutral and non-polar, with valine, which is neutral and non-polar, at codon 1069 of the FANCM protein (p.Ile1069Val). This variant is not present in population databases (gnomAD no frequency). This variant has not been reported in the literature in individuals affected with FANCM-related conditions. ClinVar contains an entry for this variant (Variation ID: 1505623). An algorithm developed to predict the effect of missense changes on protein structure and function (PolyPhen-2) suggests that this variant is likely to be tolerated. In summary, the available evidence is currently insufficient to determine the role of this variant in disease. Therefore, it has been classified as a Variant of Uncertain Significance.

Ambry Genetics
Classification: Uncertain significance for Inborn genetic diseases. Last evaluated: 2025-05-31. Review status: criteria provided, single submitter. Criteria: Ambry Variant Classification Scheme 2023. Collection method: clinical testing. Allele origin: germline.
Comment: The p.I1069V variant (also known as c.3205A>G), located in coding exon 14 of the FANCM gene, results from an A to G substitution at nucleotide position 3205. The isoleucine at codon 1069 is replaced by valine, an amino acid with highly similar properties. This amino acid position is conserved. In addition, this alteration is predicted to be tolerated by in silico analysis. Based on the available evidence, the clinical significance of this variant remains unclear.

NM_020937.4(FANCM):c.3205A>G (p.Ile1069Val)

Gene: FANCM (FA complementation group M; plus strand). Cytogenetic location: 14q21.2.
Variant type: single nucleotide variant.
Coding change: c.3205A>G on transcript NM_020937.4 (MANE Select); coding-DNA position 3205, A replaced by G.
Protein change: p.Ile1069Val; replaces isoleucine 1069 with valine.
Molecular consequence: missense variant.
Genome position (GRCh38, 1-based): chr14:45,175,959, A>G. VCF-style: chr14-45175959-A-G. GRCh37 (hg19) VCF-style: chr14-45645162-A-G.
Other names: c.3127A>G, p.Ile1043Val (NM_001308133.2); c.3205A>G (NM_020937.2); short protein forms I1043V, I1069V.
Identifiers: ClinVar variation 1505623 (VCV001505623.7), dbSNP rs2139246678, ClinGen allele CA389600298.
Genomic context (GRCh38, chr14:45,175,959, plus strand): 5'-TTAGAATTGAATTCACTTAAATGTATAAATTATCCATCTGAAAAAAGTTGCCTTTATGAT[A>G]TACCTAATGATAATATTTCTGATGAGCCAAGTCTCTGTGACTGTGATGTACATAAACATA-3'
Protein context (NP_065988.1, residues 1059-1079): YPSEKSCLYD[Ile1069Val]PNDNISDEPS